The following is an entry in ClinVar:

NM_004855.5(PIGB):c.793G>A (p.Gly265Ser)

Gene: PIGB (phosphatidylinositol glycan anchor biosynthesis class B; plus strand). Cytogenetic location: 15q21.3.
Variant type: single nucleotide variant.
Coding change: c.793G>A on transcript NM_004855.5 (MANE Select); coding-DNA position 793, G replaced by A.
Protein change: p.Gly265Ser; replaces glycine 265 with serine.
Molecular consequence: missense variant.
Genome position (GRCh38, 1-based): chr15:55,334,006, G>A. VCF-style: chr15-55334006-G-A. GRCh37 (hg19) VCF-style: chr15-55626204-G-A.
Other names: c.793G>A (NM_004855.4); short protein forms G265S.
Identifiers: ClinVar variation 1960091 (VCV001960091.6), dbSNP rs764784473, ClinGen allele CA7573922.
Genomic context (GRCh38, chr15:55,334,006, plus strand): 5'-AGACATTTCTGTCAAGAACCAAGAAAGCTTGATCTTATTCTACATCATTTTTTACCTGTA[G>A]GGTAAGTGTGGCAATAATCCATCCATTTATTTTAGTAGCCTACAAATCACAGATTACGAA-3'
Protein context (NP_004846.4, residues 255-275): DLILHHFLPV[Gly265Ser]FVTLSLSLMI

ClinVar aggregate classification (germline): Uncertain significance. Review status: criteria provided, multiple submitters, no conflicts (2 of 4 stars). 2 submissions from 2 submitters: Uncertain significance (2). Last evaluated 2024-03-15.

Conditions:
Inborn genetic diseases. Identifiers: MedGen C0950123, MeSH D030342.

Allele frequency attached by ClinVar (database versions not stated): gnomAD 0.00001; gnomAD exomes 0.00001; ExAC 0.00002.
gnomAD v4.1: 8 of 1,586,372 alleles (0.0005%); highest among the groups gnomAD compares: East Asian, 0.018%; no homozygotes.

Submissions (2):

Ambry Genetics
Classification: Uncertain significance for Inborn genetic diseases. Last evaluated: 2024-03-15. Review status: criteria provided, single submitter. Criteria: Ambry Variant Classification Scheme 2023. Collection method: clinical testing. Allele origin: germline.

Labcorp Genetics (formerly Invitae), Labcorp
Classification: Uncertain significance. Last evaluated: 2022-08-15. Review status: criteria provided, single submitter. Criteria: Invitae Variant Classification Sherloc (09022015). Collection method: clinical testing. Allele origin: germline.
Comment: In summary, the available evidence is currently insufficient to determine the role of this variant in disease. Therefore, it has been classified as a Variant of Uncertain Significance. Algorithms developed to predict the effect of sequence changes on RNA splicing suggest that this variant may create or strengthen a splice site. Algorithms developed to predict the effect of missense changes on protein structure and function are either unavailable or do not agree on the potential impact of this missense change (SIFT: "Tolerated"; PolyPhen-2: "Probably Damaging"; Align-GVGD: "Class C0"). This variant has not been reported in the literature in individuals affected with PIGB-related conditions. This variant is present in population databases (rs764784473, gnomAD 0.02%). This sequence change replaces glycine, which is neutral and non-polar, with serine, which is neutral and polar, at codon 265 of the PIGB protein (p.Gly265Ser).